The following is an entry in ClinVar:

ClinVar aggregate classification (germline): Pathogenic/Likely pathogenic. Review status: criteria provided, multiple submitters, no conflicts (2 of 4 stars). 4 submissions from 4 submitters: Pathogenic (1); Likely pathogenic (1). 2 of the submissions do not count toward it. Last evaluated 2025-11-16.

Conditions:
Mucolipidosis. Also called: Mucolipidoses. Identifiers: Orphanet 79212, MedGen C0026697, MONDO:0019248.
Mucolipidosis type II. Also called: Mucolipidosis II Alpha/Beta; Mucolipidosis 2; ML 2; Inclusion cell disease; Leroy Disease; N-acetylglucosamine 1phosphotransferase deficiency. Identifiers: Orphanet 576, MedGen C2673377, MONDO:0009650, OMIM 252500.
Pseudo-Hurler polydystrophy. Also called: MUCOLIPIDOSIS IIIA; ML IIIA; Mucolipidosis III Alpha/Beta; Type III Mucolipidosis; ML III; ML III ALPHA/BETA. Identifiers: Orphanet 423461, Orphanet 577, MedGen C0033788, MONDO:0018931, OMIM 252600.

Submissions (4):

Labcorp Genetics (formerly Invitae), Labcorp
Classification: Pathogenic for Pseudo-Hurler polydystrophy; Mucolipidosis type II. Last evaluated: 2025-11-16. Review status: criteria provided, single submitter. Criteria: Invitae Variant Classification Sherloc (09022015). Collection method: clinical testing. Allele origin: germline.
Comment: This sequence change replaces arginine, which is basic and polar, with proline, which is neutral and non-polar, at codon 587 of the GNPTAB protein (p.Arg587Pro). This variant is not present in population databases (gnomAD no frequency). This missense change has been observed in individual(s) with clinical features of mucolipidosis IIIA (PMID: 17034777; internal data). In at least one individual the data is consistent with being in trans (on the opposite chromosome) from a pathogenic variant. ClinVar contains an entry for this variant (Variation ID: 551203). Invitae Evidence Modeling of protein sequence and biophysical properties (such as structural, functional, and spatial information, amino acid conservation, physicochemical variation, residue mobility, and thermodynamic stability) indicates that this missense variant is expected to disrupt GNPTAB protein function with a positive predictive value of 80%. Experimental studies have shown that this missense change affects GNPTAB function (PMID: 25505245). For these reasons, this variant has been classified as Pathogenic.

Women's Health and Genetics/Laboratory Corporation of America, LabCorp
Classification: Likely pathogenic for Mucolipidosis. Last evaluated: 2023-05-19. Review status: criteria provided, single submitter. Criteria: LabCorp Variant Classification Summary - May 2015. Collection method: clinical testing. Allele origin: germline.
Comment: Variant summary: GNPTAB c.1760G>C (p.Arg587Pro) results in a non-conservative amino acid change located in the spacer domain (Qian_2015) of the encoded protein sequence. Five of five in-silico tools predict a damaging effect of the variant on protein function. The variant was absent in 251420 control chromosomes. c.1760G>C has been reported in the literature as a biallelic compound heterozygous genotype in at-least one individual affected with Mucolipidosis type IIIA with evidence of familial segregation (example: Lam_2007). These data indicate the variant may be associated with disease. At least one publication reports experimental evidence evaluating an impact on protein function. The most pronounced variant effect results in 10%-<30% of normal phosphotransferase enzyme activity in-vitro (example: Qian_2015). The following publications have been ascertained in the context of this evaluation (PMID: 26385638, 17034777, 25505245). Two clinical diagnostic laboratories have submitted clinical-significance assessments for this variant to ClinVar after 2014 without evidence for independent evaluation. One laboratory classified the variant as pathogenic, and one laboratory classified the variant as uncertain significance. Based on the evidence outlined above, the variant was classified as likely pathogenic.

Counsyl
Classification: Uncertain significance for Mucolipidosis type II; Pseudo-Hurler polydystrophy. Last evaluated: 2017-03-21. Review status: no assertion criteria provided. Collection method: clinical testing. Allele origin: unknown. Not counted in ClinVar's aggregate classification.

Department of Genetics and Endocrinology, Guangzhou Women and Children’s Medical Center
Classification: Pathogenic for Mucolipidosis. Review status: no assertion criteria provided. Collection method: clinical testing. Allele origin: inherited. Affected: yes. Not counted in ClinVar's aggregate classification.

Literature cited by the submitters: PubMed 17034777 (cited by 3 submitters); PubMed 25505245 (cited by 3 submitters); PubMed 26385638 (cited by Women's Health and Genetics/Laboratory Corporation of America, LabCorp).

NM_024312.5(GNPTAB):c.1760G>C (p.Arg587Pro)

Gene: GNPTAB (N-acetylglucosamine-1-phosphate transferase subunits alpha and beta; minus strand). Cytogenetic location: 12q23.2.
Variant type: single nucleotide variant.
Coding change: c.1760G>C on transcript NM_024312.5 (MANE Select); coding-DNA position 1760, G replaced by C.
Protein change: p.Arg587Pro; replaces arginine 587 with proline.
Molecular consequence: missense variant.
Genome position (GRCh38, 1-based): chr12:101,765,157, C>G on the plus strand (G>C on the coding strand, the complement: GNPTAB is on the minus strand). VCF-style: chr12-101765157-C-G. GRCh37 (hg19) VCF-style: chr12-102158935-C-G.
Other names: short protein forms R587P.
Identifiers: ClinVar variation 551203 (VCV000551203.16), dbSNP rs143788461, ClinGen allele CA386299869.